The following is an entry in ClinVar:

ClinVar aggregate classification (germline): Uncertain significance (1 of 4 stars; one submission).

Allele frequency attached by ClinVar (database versions not stated): gnomAD exomes below 0.00001.
gnomAD v4.1: 2 of 1,612,006 alleles (0.00012%); highest among the groups gnomAD compares: South Asian, 0.0011%; no homozygotes.

Submission:

Ambry Genetics
Classification: Uncertain significance. Last evaluated: 2024-01-24. Review status: criteria provided, single submitter. Criteria: Ambry Variant Classification Scheme 2023. Collection method: clinical testing. Allele origin: germline.
Comment: The p.Y427C variant (also known as c.1280A>G), located in coding exon 5 of the PALLD gene, results from an A to G substitution at nucleotide position 1280. The tyrosine at codon 427 is replaced by cysteine, an amino acid with highly dissimilar properties. This amino acid position is conserved. In addition, the in silico prediction for this alteration is inconclusive. Based on the available evidence, the clinical significance of this alteration remains unclear.

NM_001166108.2(PALLD):c.1280A>G (p.Tyr427Cys)

Gene: PALLD (palladin, cytoskeletal associated protein; plus strand). Cytogenetic location: 4q32.3.
Variant type: single nucleotide variant.
Coding change: c.1280A>G on transcript NM_001166108.2 (MANE Select); coding-DNA position 1280, A replaced by G.
Protein change: p.Tyr427Cys; replaces tyrosine 427 with cysteine.
Molecular consequence: missense variant.
Genome position (GRCh38, 1-based): chr4:168,685,504, A>G. VCF-style: chr4-168685504-A-G. GRCh37 (hg19) VCF-style: chr4-169606655-A-G.
Other names: c.134A>G, p.Tyr45Cys (NM_001166109.2); c.1280A>G, p.Tyr427Cys (NM_016081.4); short protein forms Y427C, Y45C.
Identifiers: ClinVar variation 3226723 (VCV003226723.1), dbSNP rs769337733, ClinGen allele CA3135567.